The following is an entry in ClinVar:

ClinVar aggregate classification (germline): Pathogenic (1 of 4 stars; one submission).

Allele frequency attached by ClinVar (database versions not stated): gnomAD exomes below 0.00001; ExAC 0.00001; gnomAD 0.00001.
gnomAD v4.1: 5 of 1,613,892 alleles (0.00031%); highest among the groups gnomAD compares: South Asian, 0.0022%; no homozygotes.

Submission:

Labcorp Genetics (formerly Invitae), Labcorp
Classification: Pathogenic. Last evaluated: 2022-08-22. Review status: criteria provided, single submitter. Criteria: Invitae Variant Classification Sherloc (09022015). Collection method: clinical testing. Allele origin: germline.
Comment: This sequence change creates a premature translational stop signal (p.Gln66*) in the KCNV2 gene. It is expected to result in an absent or disrupted protein product. Loss-of-function variants in KCNV2 are known to be pathogenic (PMID: 16909397, 18235024). This variant is present in population databases (rs779887176, gnomAD 0.003%). For these reasons, this variant has been classified as Pathogenic. This variant has not been reported in the literature in individuals affected with KCNV2-related conditions.

Literature cited by the submitters: PubMed 16909397; PubMed 18235024.

NM_133497.4(KCNV2):c.196C>T (p.Gln66Ter)

Gene: KCNV2 (potassium voltage-gated channel modifier subfamily V member 2; plus strand). Cytogenetic location: 9p24.2.
Variant type: single nucleotide variant.
Coding change: c.196C>T on transcript NM_133497.4 (MANE Select); coding-DNA position 196, C replaced by T.
Protein change: p.Gln66Ter; replaces glutamine 66 with a stop codon.
Molecular consequence: nonsense.
Genome position (GRCh38, 1-based): chr9:2,717,935, C>T. VCF-style: chr9-2717935-C-T. GRCh37 (hg19) VCF-style: chr9-2717935-C-T.
Other names: short protein forms Q66*.
Identifiers: ClinVar variation 1973248 (VCV001973248.5), dbSNP rs779887176, ClinGen allele CA4965360.